The following is an entry in ClinVar:

ClinVar aggregate classification (germline): Pathogenic (1 of 4 stars; one submission).

Conditions:
Developmental and epileptic encephalopathy. Identifiers: MedGen C5779964, MONDO:0100620.

Submission:

Labcorp Genetics (formerly Invitae), Labcorp
Classification: Pathogenic for Early infantile epileptic encephalopathy with suppression bursts. Last evaluated: 2019-09-06. Review status: criteria provided, single submitter. Criteria: Invitae Variant Classification Sherloc (09022015). Collection method: clinical testing. Allele origin: germline.
Comment: This sequence change creates a premature translational stop signal (p.Pro1522Leufs*17) in the SCN1A gene. It is expected to result in an absent or disrupted protein product. This variant is not present in population databases (ExAC no frequency). This variant has not been reported in the literature in individuals with SCN1A-related conditions. Loss-of-function variants in SCN1A are known to be pathogenic (PMID: 17347258, 18930999). For these reasons, this variant has been classified as Pathogenic.

NM_001165963.4(SCN1A):c.4565del (p.Pro1522fs)

Genes: SCN1A (sodium voltage-gated channel alpha subunit 1; minus strand), LOC102724058 (uncharacterized LOC102724058; plus strand). Cytogenetic location: 2q24.3.
Variant type: Deletion.
Coding change: c.4565del on transcript NM_001165963.4 (MANE Select); coding-DNA position 4565, one base deleted (C; older notation c.4565delC).
Protein change: p.Pro1522fs; shifts the reading frame from proline 1522.
Molecular consequence: frameshift variant. On other transcripts: non-coding transcript variant (1).
Genome position (GRCh38, 1-based): chr2:165,996,029, G deleted on the plus strand (C on the coding strand, the reverse complement: SCN1A is on the minus strand); the first of 2 consecutive G bases (chr2:165,996,029-165,996,030); deleting either gives the same sequence. VCF-style (leftmost placement, unchanged base first): chr2-165996028-AG-A. GRCh37 (hg19) VCF-style: chr2-166852538-AG-A.
Other names: c.4481del, p.Pro1494fs (NM_001165964.3, NM_001353957.2, NM_001353958.2); c.4565del, p.Pro1522fs (NM_001202435.3, NM_001353948.2); c.4532del, p.Pro1511fs (NM_001353949.2, NM_001353950.2, NM_001353951.2 and 2 more transcripts); c.4529del, p.Pro1510fs (NM_001353954.2, NM_001353955.2); c.4478del, p.Pro1493fs (NM_001353960.2); c.2123del, p.Pro708fs (NM_001353961.2); short protein forms P1493fs, P1510fs, P708fs, P1494fs, P1511fs, P1522fs.
Identifiers: ClinVar variation 956640 (VCV000956640.2), dbSNP rs1689992185, ClinGen allele CA1139655701.